The following is an entry in ClinVar:

ClinVar aggregate classification (germline): Likely pathogenic (1 of 4 stars; one submission).

Conditions:
Encephalopathy, lethal, due to defective mitochondrial peroxisomal fission 1. Identifiers: Orphanet 330050, MedGen C3280660, MONDO:0013726, OMIM 614388.

Submission:

Institute of Human Genetics, University of Leipzig Medical Center
Classification: Likely pathogenic for Encephalopathy, lethal, due to defective mitochondrial peroxisomal fission 1. Last evaluated: 2021-02-19. Review status: criteria provided, single submitter. Criteria: ACMG Guidelines, 2015. Collection method: clinical testing. Allele origin: de novo. Affected: yes.
Comment: This variant was identified as de novo (maternity and paternity confirmed).

NM_012062.5(DNM1L):c.1087G>A (p.Gly363Ser)

Gene: DNM1L (dynamin 1 like; plus strand). Cytogenetic location: 12p11.21.
Variant type: single nucleotide variant.
Coding change: c.1087G>A on transcript NM_012062.5 (MANE Select); coding-DNA position 1087, G replaced by A.
Protein change: p.Gly363Ser; replaces glycine 363 with serine.
Molecular consequence: missense variant.
Genome position (GRCh38, 1-based): chr12:32,731,021, G>A. VCF-style: chr12-32731021-G-A. GRCh37 (hg19) VCF-style: chr12-32883955-G-A.
Other names: c.1087G>A, p.Gly363Ser (NM_001278463.2, NM_005690.5, NM_012063.4); c.1126G>A, p.Gly376Ser (NM_001278464.2, NM_001278465.2, NM_001330380.2); c.478G>A, p.Gly160Ser (NM_001278466.2); short protein forms G160S, G363S, G376S.
Identifiers: ClinVar variation 976414 (VCV000976414.2), dbSNP rs1954520736, ClinGen allele CA384357246.
Genomic context (GRCh38, chr12:32,731,021, plus strand): 5'-ATCTTCTTTCCCTTTTTGCAATGCCAGAAACCATATACTTCATTGCCTTTCAGATGCGGT[G>A]GTGCTAGAATTTGTTATATTTTCCATGAGACTTTTGGGCGAACCTTAGAATCTGTTGATC-3'
Protein context (NP_036192.2, residues 353-373): KYIETSELCG[Gly363Ser]ARICYIFHET